The following is an entry in ClinVar:

NM_003923.3(FOXH1):c.*55C>T

Genes: FOXH1 (forkhead box H1; minus strand), KIFC2 (kinesin family member C2; plus strand). Cytogenetic location: 8q24.3.
Variant type: single nucleotide variant.
Coding change: c.*55C>T on transcript NM_003923.3 (MANE Select); 55 bases downstream of the stop codon, C replaced by T.
Molecular consequence: 3 prime UTR variant.
Genome position (GRCh38, 1-based): chr8:144,474,183, G>A on the plus strand (C>T on the coding strand, the complement: FOXH1 is on the minus strand). VCF-style: chr8-144474183-G-A. GRCh37 (hg19) VCF-style: chr8-145699566-G-A.
Other names: c.*794G>A (NM_001369769.2); c.*733G>A (NM_145754.5).
Identifiers: ClinVar variation 362276 (VCV000362276.5), dbSNP rs192907579, ClinGen allele CA10630476.
Genomic context (GRCh38, chr8:144,474,183, plus strand): 5'-CTGCTGCCTGGTGTTTCGAGGCTGCTGTGGTCGCAGACAGCCGCCTCGCCTTGGCTCCCT[G>A]TCAACAAGGTGGGGGTGGGAGCGGGAGGGAGGAGTGGCCCCTGTCTTAAGAGCCTCACAG-3'

ClinVar aggregate classification (germline): Benign (1 of 4 stars; one submission).

Conditions:
Holoprosencephaly sequence (HPE). Also called: Holoprosencephaly. Identifiers: Orphanet 2162, MedGen C0079541, MONDO:0016296, HP:0001360.

Allele frequency attached by ClinVar (database versions not stated): gnomAD 0.00031 and 0.00050; gnomAD exomes 0.00051; TOPMed 0.00060; 1000 Genomes Project 30x 0.00281; 1000 Genomes Project 0.00339.
gnomAD v4.1: 685 of 1,386,196 alleles (0.049%); highest among the groups gnomAD compares: East Asian, 1.6%; 6 homozygotes.

Submission:

Illumina Laboratory Services, Illumina
Classification: Benign for Holoprosencephaly sequence. Last evaluated: 2018-01-13. Review status: criteria provided, single submitter. Criteria: ICSL Variant Classification Criteria 13 December 2019. Collection method: clinical testing. Allele origin: germline.
Comment: This variant was observed in the ICSL laboratory as part of a predisposition screen in an ostensibly healthy population. It had not been previously curated by ICSL or reported in the Human Gene Mutation Database (HGMD: prior to June 1st, 2018), and was therefore a candidate for classification through an automated scoring system. Utilizing variant allele frequency, disease prevalence and penetrance estimates, and inheritance mode, an automated score was calculated to assess if this variant is too frequent to cause the disease. Based on the score and internal cut-off values, a variant classified as benign is not then subjected to further curation. The score for this variant resulted in a classification of benign for this disease.